The following is an entry in ClinVar:

NM_002878.4(RAD51D):c.668-1G>A

Genes: RAD51L3-RFFL (RAD51L3-RFFL readthrough; minus strand), RAD51D (RAD51 paralog D; minus strand). Cytogenetic location: 17q12.
Variant type: single nucleotide variant.
Coding change: c.668-1G>A on transcript NM_002878.4 (MANE Select); the canonical splice acceptor site of the intron before coding-DNA position 668, G replaced by A.
Molecular consequence: splice acceptor variant.
Genome position (GRCh38, 1-based): chr17:35,103,325, C>T on the plus strand (G>A on the coding strand, the complement: RAD51D is on the minus strand). VCF-style: chr17-35103325-C-T. GRCh37 (hg19) VCF-style: chr17-33430344-C-T.
Other names: c.332-1G>A (NM_133629.3); c.728-1G>A (NM_001142571.2).
Identifiers: ClinVar variation 1066641 (VCV001066641.6), dbSNP rs2142418872, ClinGen allele CA399087815.

ClinVar aggregate classification (germline): Likely pathogenic. Review status: criteria provided, multiple submitters, no conflicts (2 of 4 stars). 2 submissions from 2 submitters: Likely pathogenic (2). Last evaluated 2025-09-01.

Conditions:
Breast-ovarian cancer, familial, susceptibility to, 4. Identifiers: Orphanet 145, MedGen C3280345, MONDO:0013669, OMIM 614291.

Submissions (2):

Labcorp Genetics (formerly Invitae), Labcorp
Classification: Likely pathogenic for Breast-ovarian cancer, familial, susceptibility to, 4. Last evaluated: 2025-09-01. Review status: criteria provided, single submitter. Criteria: Invitae Variant Classification Sherloc (09022015). Collection method: clinical testing. Allele origin: germline.
Comment: This sequence change affects an acceptor splice site in intron 7 of the RAD51D gene. It is expected to disrupt RNA splicing. Variants that disrupt the donor or acceptor splice site typically lead to a loss of protein function (PMID: 16199547), and loss-of-function variants in RAD51D are known to be pathogenic (PMID: 21822267). This variant is not present in population databases (gnomAD no frequency). This variant has not been reported in the literature in individuals affected with RAD51D-related conditions. ClinVar contains an entry for this variant (Variation ID: 1066641). Algorithms developed to predict the effect of sequence changes on RNA splicing suggest that this variant may disrupt the consensus splice site. In summary, the currently available evidence indicates that the variant is pathogenic, but additional data are needed to prove that conclusively. Therefore, this variant has been classified as Likely Pathogenic.

Myriad Genetics, Inc.
Classification: Likely pathogenic for Breast-ovarian cancer, familial, susceptibility to, 4. Last evaluated: 2023-09-07. Review status: criteria provided, single submitter. Criteria: Myriad Autosomal Dominant, Autosomal Recessive and X-Linked Classification Criteria (2023). Collection method: clinical testing. Allele origin: unknown.
Comment: This variant is considered likely pathogenic. This variant occurs within a consensus splice junction and is predicted to result in abnormal mRNA splicing of either an out-of-frame exon or an in-frame exon necessary for protein stability and/or normal function.

Literature cited by the submitters: PubMed 16199547 (cited by Labcorp Genetics (formerly Invitae), Labcorp); PubMed 21822267 (cited by Labcorp Genetics (formerly Invitae), Labcorp).